The following is an entry in ClinVar:

ClinVar aggregate classification (germline): Uncertain significance (1 of 4 stars; one submission).

Conditions:
Parkinsonian-pyramidal syndrome. Also called: PALLIDOPYRAMIDAL SYNDROME; PARKINSON DISEASE 15, AUTOSOMAL RECESSIVE; PARKINSON DISEASE 15, AUTOSOMAL RECESSIVE EARLY-ONSET. Identifiers: Orphanet 171695, MedGen C1850100, MONDO:0009830, OMIM 260300.

Allele frequency attached by ClinVar (database versions not stated): TOPMed 0.00011.
gnomAD v4.1: 61 of 1,613,702 alleles (0.0038%); highest among the groups gnomAD compares: Admixed American, 0.02%; no homozygotes.

Submission:

Labcorp Genetics (formerly Invitae), Labcorp
Classification: Uncertain significance for Parkinsonian-pyramidal syndrome. Last evaluated: 2022-03-05. Review status: criteria provided, single submitter. Criteria: Invitae Variant Classification Sherloc (09022015). Collection method: clinical testing. Allele origin: germline.
Comment: This sequence change replaces aspartic acid, which is acidic and polar, with tyrosine, which is neutral and polar, at codon 516 of the FBXO7 protein (p.Asp516Tyr). This variant is present in population databases (rs34316445, gnomAD 0.006%). This variant has not been reported in the literature in individuals affected with FBXO7-related conditions. ClinVar contains an entry for this variant (Variation ID: 1036996). Algorithms developed to predict the effect of missense changes on protein structure and function (SIFT, PolyPhen-2, Align-GVGD) all suggest that this variant is likely to be disruptive. In summary, the available evidence is currently insufficient to determine the role of this variant in disease. Therefore, it has been classified as a Variant of Uncertain Significance.

NM_012179.4(FBXO7):c.1546G>T (p.Asp516Tyr)

Gene: FBXO7 (F-box protein 7; plus strand). Cytogenetic location: 22q12.3.
Variant type: single nucleotide variant.
Coding change: c.1546G>T on transcript NM_012179.4 (MANE Select); coding-DNA position 1546, G replaced by T.
Protein change: p.Asp516Tyr; replaces aspartic acid 516 with tyrosine.
Molecular consequence: missense variant.
Genome position (GRCh38, 1-based): chr22:32,498,507, G>T. VCF-style: chr22-32498507-G-T. GRCh37 (hg19) VCF-style: chr22-32894494-G-T.
Other names: c.1309G>T, p.Asp437Tyr (NM_001033024.2); c.1204G>T, p.Asp402Tyr (NM_001257990.2); short protein forms D437Y, D402Y, D516Y.
Identifiers: ClinVar variation 1036996 (VCV001036996.6), dbSNP rs34316445, ClinGen allele CA10201775.